The following is an entry in ClinVar:

NM_001385641.1(SAMD11):c.1949G>A (p.Gly650Asp)

Gene: SAMD11 (sterile alpha motif domain containing 11; plus strand). Cytogenetic location: 1p36.33.
Variant type: single nucleotide variant.
Coding change: c.1949G>A on transcript NM_001385641.1 (MANE Select); coding-DNA position 1949, G replaced by A.
Protein change: p.Gly650Asp; replaces glycine 650 with aspartic acid.
Molecular consequence: missense variant.
Genome position (GRCh38, 1-based): chr1:942,954, G>A. VCF-style: chr1-942954-G-A. GRCh37 (hg19) VCF-style: chr1-878334-G-A.
Other names: c.1460G>A (NM_152486.2); c.1952G>A, p.Gly651Asp (NM_001385640.1); c.1460G>A, p.Gly487Asp (NM_152486.4); short protein forms G487D, G650D, G651D.
Identifiers: ClinVar variation 1988280 (VCV001988280.2), dbSNP rs780693928, ClinGen allele CA503036.

ClinVar aggregate classification (germline): Uncertain significance. Review status: criteria provided, multiple submitters, no conflicts (2 of 4 stars). 2 submissions from 2 submitters: Uncertain significance (2). Last evaluated 2025-08-07.

Allele frequency attached by ClinVar (database versions not stated): gnomAD 0.00001; TOPMed 0.00001; gnomAD exomes 0.00006; ExAC 0.00007.
gnomAD v4.1: 88 of 1,546,816 alleles (0.0057%); highest among the groups gnomAD compares: Non-Finnish European, 0.0075%; no homozygotes.

Submissions (2):

Ambry Genetics
Classification: Uncertain significance. Last evaluated: 2025-08-07. Review status: criteria provided, single submitter. Criteria: Ambry Variant Classification Scheme 2023. Collection method: clinical testing. Allele origin: germline.

Labcorp Genetics (formerly Invitae), Labcorp
Classification: Uncertain significance. Last evaluated: 2022-07-08. Review status: criteria provided, single submitter. Criteria: Invitae Variant Classification Sherloc (09022015). Collection method: clinical testing. Allele origin: germline.
Comment: This sequence change replaces glycine, which is neutral and non-polar, with aspartic acid, which is acidic and polar, at codon 487 of the SAMD11 protein (p.Gly487Asp). The frequency data for this variant in the population databases is considered unreliable, as metrics indicate poor data quality at this position in the gnomAD database. This variant has not been reported in the literature in individuals affected with SAMD11-related conditions. Algorithms developed to predict the effect of missense changes on protein structure and function output the following: SIFT: "Tolerated"; PolyPhen-2: "Benign"; Align-GVGD: "Class C0". The aspartic acid amino acid residue is found in multiple mammalian species, which suggests that this missense change does not adversely affect protein function. In summary, the available evidence is currently insufficient to determine the role of this variant in disease. Therefore, it has been classified as a Variant of Uncertain Significance.